The following is an entry in ClinVar:

NM_013266.4(CTNNA3):c.1508T>C (p.Ile503Thr)

Gene: CTNNA3 (catenin alpha 3; minus strand). Cytogenetic location: 10q21.3.
Variant type: single nucleotide variant.
Coding change: c.1508T>C on transcript NM_013266.4 (MANE Select); coding-DNA position 1508, T replaced by C.
Protein change: p.Ile503Thr; replaces isoleucine 503 with threonine.
Molecular consequence: missense variant.
Genome position (GRCh38, 1-based): chr10:66,520,640, A>G on the plus strand (T>C on the coding strand, the complement: CTNNA3 is on the minus strand). VCF-style: chr10-66520640-A-G. GRCh37 (hg19) VCF-style: chr10-68280398-A-G.
Other names: c.1508T>C, p.Ile503Thr (NM_001127384.3); c.1508T>C (NM_013266.2); short protein forms I503T.
Identifiers: ClinVar variation 642932 (VCV000642932.9), dbSNP rs770318219, ClinGen allele CA5519934.

ClinVar aggregate classification (germline): Uncertain significance. Review status: criteria provided, multiple submitters, no conflicts (2 of 4 stars). 2 submissions from 2 submitters: Uncertain significance (2). Last evaluated 2024-05-19.

Conditions:
Arrhythmogenic right ventricular dysplasia 13. Also called: ARRHYTHMOGENIC RIGHT VENTRICULAR CARDIOMYOPATHY 13; Arrhythmogenic right ventricular dysplasia, familial, 13. Identifiers: MedGen C3810138, MONDO:0000908, OMIM 615616.

Allele frequency attached by ClinVar (database versions not stated): ExAC 0.00001; gnomAD 0.00001; gnomAD exomes 0.00001; TOPMed 0.00001.
gnomAD v4.1: 6 of 1,609,202 alleles (0.00037%); highest among the groups gnomAD compares: Admixed American, 0.01%; no homozygotes.

Submissions (2):

Ambry Genetics
Classification: Uncertain significance. Last evaluated: 2024-05-19. Review status: criteria provided, single submitter. Criteria: Ambry Variant Classification Scheme 2023. Collection method: clinical testing. Allele origin: germline.
Comment: The p.I503T variant (also known as c.1508T>C), located in coding exon 10 of the CTNNA3 gene, results from a T to C substitution at nucleotide position 1508. The isoleucine at codon 503 is replaced by threonine, an amino acid with similar properties. This amino acid position is conserved. In addition, the in silico prediction for this alteration is inconclusive. Based on the available evidence, the clinical significance of this variant remains unclear.

Labcorp Genetics (formerly Invitae), Labcorp
Classification: Uncertain significance for Arrhythmogenic right ventricular dysplasia 13. Last evaluated: 2022-09-13. Review status: criteria provided, single submitter. Criteria: Invitae Variant Classification Sherloc (09022015). Collection method: clinical testing. Allele origin: germline.
Comment: In summary, the available evidence is currently insufficient to determine the role of this variant in disease. Therefore, it has been classified as a Variant of Uncertain Significance. This sequence change replaces isoleucine, which is neutral and non-polar, with threonine, which is neutral and polar, at codon 503 of the CTNNA3 protein (p.Ile503Thr). This variant is present in population databases (rs770318219, gnomAD 0.009%). This variant has not been reported in the literature in individuals affected with CTNNA3-related conditions. ClinVar contains an entry for this variant (Variation ID: 642932). Advanced modeling of protein sequence and biophysical properties (such as structural, functional, and spatial information, amino acid conservation, physicochemical variation, residue mobility, and thermodynamic stability) performed at Invitae indicates that this missense variant is not expected to disrupt CTNNA3 protein function.